The following is an entry in ClinVar:

ClinVar aggregate classification (germline): Likely pathogenic (1 of 4 stars; one submission).

Submission:

Centre of Medical Genetics, University Hospital Muenster
Classification: Likely pathogenic. Last evaluated: 2024-12-16. Review status: criteria provided, single submitter. Criteria: ACMG Guidelines, 2015. Collection method: clinical testing. Allele origin: unknown. Affected: yes. Observed: 1 variant allele, 1 heterozygote.
Comment: ACMG categories: PM2,PM5_strong,PP3,PP4

NM_001368894.2(PAX6):c.723A>C (p.Lys241Asn)

Gene: PAX6 (paired box 6; minus strand). Cytogenetic location: 11p13.
Variant type: single nucleotide variant.
Coding change: c.723A>C on transcript NM_001368894.2 (MANE Select); coding-DNA position 723, A replaced by C.
Protein change: p.Lys241Asn; replaces lysine 241 with asparagine.
Molecular consequence: missense variant. On other transcripts: non-coding transcript variant (2).
Genome position (GRCh38, 1-based): chr11:31,794,631, T>G on the plus strand (A>C on the coding strand, the complement: PAX6 is on the minus strand). VCF-style: chr11-31794631-T-G. GRCh37 (hg19) VCF-style: chr11-31816179-T-G.
Other names: c.681A>C, p.Lys227Asn (NM_000280.6, NM_001127612.3, NM_001258464.2 and 10 more transcripts); c.723A>C, p.Lys241Asn (NM_001258462.3, NM_001258463.2, NM_001310158.2 and 6 more transcripts); c.273A>C, p.Lys91Asn (NM_001310160.2, NM_001310161.3, NM_001368899.2 and 11 more transcripts); c.924A>C, p.Lys308Asn (NM_001368910.2); c.726A>C, p.Lys242Asn (NM_001368911.2); c.798A>C, p.Lys266Asn (NM_001368918.2, NM_001368919.2); c.756A>C, p.Lys252Asn (NM_001368920.2); c.522A>C, p.Lys174Asn (NM_001368921.2, NM_001368922.2, NM_001368923.2 and 4 more transcripts); and 2 more; short protein forms K26N, K91N, K174N, K241N, K252N, K160N, K242N, K227N.
Identifiers: ClinVar variation 4526342 (VCV004526342.1).